The following is an entry in ClinVar:

NM_213599.3(ANO5):c.72_74del (p.Phe25del)

Gene: ANO5 (anoctamin 5; plus strand). Cytogenetic location: 11p14.3.
Variant type: Deletion.
Coding change: c.72_74del on transcript NM_213599.3 (MANE Select); coding-DNA positions 72 to 74, 3 bases deleted (TTT; older notation c.72_74delTTT).
Protein change: p.Phe25del; deletes phenylalanine 25.
Molecular consequence: 5 prime UTR variant (on NM_001441294.1).
Genome position (GRCh38, 1-based): chr11:22,203,835-22,203,837, TTT deleted. VCF-style (leftmost placement, unchanged base first): chr11-22203834-CTTT-C. GRCh37 (hg19) VCF-style: chr11-22225380-CTTT-C.
Other names: c.72_74del, p.Phe25del (NM_001410964.1, NM_001441296.1, NM_001441298.1 and 6 more transcripts); c.-7_-5del (NM_001441294.1, NM_001441295.1, NM_001441297.1); short protein forms F25del.
Identifiers: ClinVar variation 4788869 (VCV004788869.1).

ClinVar aggregate classification (germline): Uncertain significance (1 of 4 stars; one submission).

Conditions:
Gnathodiaphyseal dysplasia (GDD). Also called: GNATHODIAPHYSEAL SCLEROSIS; OSTEOGENESIS IMPERFECTA WITH UNUSUAL SKELETAL LESIONS. Identifiers: Orphanet 53697, MedGen C1833736, MONDO:0008151, OMIM 166260.
Autosomal recessive limb-girdle muscular dystrophy type 2L (LGMDR12). Also called: Limb-girdle muscular dystrophy, type 2L; MUSCULAR DYSTROPHY, LIMB-GIRDLE, AUTOSOMAL RECESSIVE 12; Limb-Girdle Muscular Dystrophy R12 Anoctamin-5-Related (LGMD-R12). Identifiers: Orphanet 206549, MedGen C1969785, MONDO:0012652, OMIM 611307.

Submission:

Labcorp Genetics (formerly Invitae), Labcorp
Classification: Uncertain significance for Autosomal recessive limb-girdle muscular dystrophy type 2L; Gnathodiaphyseal dysplasia. Last evaluated: 2025-07-02. Review status: criteria provided, single submitter. Criteria: Invitae Variant Classification Sherloc (09022015). Collection method: clinical testing. Allele origin: germline.
Comment: This variant, c.72_74del, results in the deletion of 1 amino acid(s) of the ANO5 protein (p.Phe25del), but otherwise preserves the integrity of the reading frame. This variant is present in population databases (rs767158438, gnomAD 0.007%). This variant has not been reported in the literature in individuals affected with ANO5-related conditions. Experimental studies and prediction algorithms are not available or were not evaluated, and the functional significance of this variant is currently unknown. In summary, the available evidence is currently insufficient to determine the role of this variant in disease. Therefore, it has been classified as a Variant of Uncertain Significance.